The following is an entry in ClinVar:

NM_001267550.2(TTN):c.31026T>G (p.Asp10342Glu)

Gene: TTN (titin; minus strand). Cytogenetic location: 2q31.2.
Variant type: single nucleotide variant.
Coding change: c.31026T>G on transcript NM_001267550.2 (MANE Select); coding-DNA position 31026, T replaced by G.
Protein change: p.Asp10342Glu; replaces aspartic acid 10342 with glutamic acid.
Molecular consequence: missense variant. On other transcripts: intron variant (3).
Genome position (GRCh38, 1-based): chr2:178,696,046, A>C on the plus strand (T>G on the coding strand, the complement: TTN is on the minus strand). VCF-style: chr2-178696046-A-C. GRCh37 (hg19) VCF-style: chr2-179560773-A-C.
Other names: c.30075T>G, p.Asp10025Glu (NM_001256850.1); c.27294T>G, p.Asp9098Glu (NM_133378.4); c.13282+42036T>G (NM_003319.4); c.13858+42036T>G (NM_133437.4); c.13657+42036T>G (NM_133432.3); short protein forms D10025E, D10342E, D9098E.
Identifiers: ClinVar variation 4882001 (VCV004882001.2).

ClinVar aggregate classification (germline): Uncertain significance (1 of 4 stars; one submission).

gnomAD v4.1: 2 of 1,551,034 alleles (0.00013%); highest among the groups gnomAD compares: Admixed American, 0.002%; no homozygotes.

Submission:

Dasa
Classification: Uncertain significance. Last evaluated: 2025-03-14. Review status: criteria provided, single submitter. Criteria: DASA Assertion Criteria. Collection method: clinical testing. Allele origin: germline.
Comment: NM_001267550.2(TTN):c.31026T>G (p.Asp10342Glu) is a missense variant that results in the substitution of aspartic acid with glutamic acid. This variant is rare in population databases. Computational prediction algorithms are consistent with a benign effect. The currently available literature and clinical evidence are not sufficient to establish a definitive association between this variant and the reported condition. Therefore, this variant is classified as a variant of uncertain significance.